The following continues an entry in ClinVar:

NM_004168.4(SDHA):c.91C>T (p.Arg31Ter)

Gene: SDHA. ClinVar aggregate classification (germline): Pathogenic/Likely pathogenic. Pathogenic (38); Likely pathogenic (3).

Submissions 18 to 33 of 53:

Mayo Clinic Laboratories, Mayo Clinic
Classification: Pathogenic. Last evaluated: 2023-11-06. Review status: criteria provided, single submitter. Criteria: ACMG Guidelines, 2015. Collection method: clinical testing. Allele origin: germline.
Comment: PP1, PP4, PVS1

Department of Pathology and Laboratory Medicine, Sinai Health System
Classification: Pathogenic for Mitochondrial complex II deficiency, nuclear type 1; Dilated cardiomyopathy 1GG; Pheochromocytoma/paraganglioma syndrome 5; Neurodegeneration with ataxia and late-onset optic atrophy. Last evaluated: 2023-10-19. Review status: criteria provided, single submitter. Criteria: ACMG Guidelines, 2015. Collection method: clinical testing. Allele origin: germline. Affected: yes.

Women's Health and Genetics/Laboratory Corporation of America, LabCorp
Classification: Pathogenic for Neurodegeneration with ataxia and late-onset optic atrophy. Last evaluated: 2023-08-15. Review status: criteria provided, single submitter. Criteria: LabCorp Variant Classification Summary - May 2015. Collection method: clinical testing. Allele origin: germline.
Comment: Variant summary: SDHA c.91C>T (p.Arg31X) results in a premature termination codon, predicted to cause a truncation of the encoded protein or absence of the protein due to nonsense mediated decay, which are commonly known mechanisms for disease. Variants downstream of this position have been classified as pathogenic in ClinVar. The variant allele was found at a frequency of 0.0002 in 251180 control chromosomes (gnomAD). c.91C>T has been reported in the literature in multiple individuals affected with pheochromocytomas and paragangliomas, SSDH-deficient gastrointestinal stromal tumors and significant ataxia, with progressive cerebellar atrophy (examples: Korpershoek_ 2011, Panteleo_ 2022, Sturrock_ 2020). These data indicate that the variant is very likely to be associated with disease. The following publications have been ascertained in the context of this evaluation (PMID: 35059314, 21752896, 33960148). Twenty two submitters have cited clinical-significance assessments for this variant to ClinVar after 2014. All submitters classified the variant as pathogenic (n=20)/likely pathogenic (n=2). Based on the evidence outlined above, the variant was classified as pathogenic.

Myriad Genetics, Inc.
Classification: Pathogenic for Pheochromocytoma/paraganglioma syndrome 5. Last evaluated: 2023-04-24. Review status: criteria provided, single submitter. Criteria: Myriad Autosomal Dominant, Autosomal Recessive and X-Linked Classification Criteria (2023). Collection method: clinical testing. Allele origin: unknown.
Comment: This variant is considered pathogenic. This variant creates a termination codon and is predicted to result in premature protein truncation.

Genetic Services Laboratory, University of Chicago
Classification: Pathogenic. Last evaluated: 2023-04-11. Review status: criteria provided, single submitter. Criteria: ACMG Guidelines, 2015. Collection method: clinical testing. Allele origin: germline. Affected: yes.
Comment: DNA sequence analysis of the SDHA gene demonstrated a sequence change, c.91C>T, which results in the creation of a premature stop codon at amino acid position 31, p.Arg31*. This sequence change is predicted to result in an abnormal transcript, which may be degraded, or may lead to the production of a truncated SDHA protein with potentially abnormal function. This sequence change has been described in the gnomAD database with a frequency of 0.041% in the European subpopulation (dbSNP rs142441643). This sequence change has been reported in individuals with gastrointestinal stromal tumors, pheochromocytomas, paragangliomas, Leigh syndrome, autosomal-recessive complex II deficiency, renal cell carcinoma (PMID: 21505157, 21752896, 22955521, 23174939, 23666964, 24781757, 25494863, 26173966, 26259135, 29978187). These collective evidences indicate that this sequence change is pathogenic.

Quest Diagnostics Nichols Institute San Juan Capistrano
Classification: Pathogenic. Last evaluated: 2022-12-23. Review status: criteria provided, single submitter. Criteria: Quest Diagnostics criteria. Collection method: clinical testing. Allele origin: unknown.
Comment: This nonsense variant causes the premature termination of SDHA protein synthesis. In the published literature, the variant has been reported in patients with paragangliomas, pheochromocytomas, and gastrointestinal stromal tumors (PMIDs: 26173966 (2016), 26490314 (2016), 25494863 (2015), 26259135 (2015), 23666964 (2013), 22955521 (2013), 23174939 (2013)). Based on the available information, this variant is classified as pathogenic.

Genetics and Molecular Pathology, SA Pathology
Classification: Pathogenic for Pheochromocytoma/paraganglioma syndrome 5. Last evaluated: 2022-11-07. Review status: criteria provided, single submitter. Criteria: ACMG Guidelines, 2015. Collection method: clinical testing. Allele origin: germline. Inheritance: Autosomal dominant inheritance. Affected: yes.
Comment: The SDHA c.91C>T variant is classified as Pathogenic (PVS1, PS4_Moderate, PS3) The SDHA c.91C>T variant is a single nucleotide change which is predicted to result in premature termination of the protein product at codon 31 (PVS1). This variant has been reported in multiple individuals with gastrointestinal stromal tumors (GIST), paragangliomas (PGL), pheochromocytomas (PCC), Carney triad (PMID: 26173966), as well as non-PGL tumors (PMID: 21505157, 22955521, 23174939, 21752896, 23666964, 25494863, 26259135) (PS4_Moderate). Well-established functional studies show a deleterious effect of this variant (PMID:24781757) (PS3). The variant has been reported in dbSNP (rs142441643) and has been reported in population databases (gnomAD 37/152202, 0 homozygotes). The variant has been reported in the HGMD database as disease causing (CM114717) and as Pathogenic/Likely pathogenic by other diagnostic laboratories (ClinVar Variation ID: 142601).

Institute for Genomic Medicine (IGM) Clinical Laboratory, Nationwide Children's Hospital
Classification: Pathogenic for Pheochromocytoma/paraganglioma syndrome 5. Last evaluated: 2022-10-11. Review status: criteria provided, single submitter. Criteria: ACMG Guidelines, 2015. Collection method: clinical testing. Allele origin: germline.
Comment: This variant is predicted to result in loss of function through nonsense-mediated decay of the encoded transcript or premature truncation of the encoded protein in a gene in which loss of function is a known mechanism of disease (ACMG/AMP: PVS1). Well-established functional studies have demonstrated this variant to have a damaging effect on protein function or splicing (ACMG/AMP: PS3; PMIDs:22974104, 24781757). This variant has been reported at an elevated frequency in affected individuals/in multiple affected individuals in the literature (ACMG/AMP: PS4_Moderate; PMIDs:29177515, 30068732, 22974104, 23174939, 24781757). This variant has been shown to segregate with disease in multiple affected family members (ACMG/AMP: PP1; PMIDs:23174939, 29177515).

GeneDx
Classification: Pathogenic. Last evaluated: 2022-05-12. Review status: criteria provided, single submitter. Criteria: GeneDx Variant Classification Process June 2021. Collection method: clinical testing. Allele origin: germline. Affected: yes.
Comment: Observed with a second SDHA variant on the opposite allele (in trans) in an individual with Leigh syndrome (Renkema 2015); Nonsense variant predicted to result in protein truncation or nonsense mediated decay in a gene for which loss-of-function is a known mechanism of disease; Published functional studies demonstrate loss of protein expression (Dubard Gault 2018); This variant is associated with the following publications: (PMID: 31368675, 30854332, 25394176, 27171833, 23252569, 27604842, 28546994, 22974104, 30877234, 25525159, 24886695, 23612575, 25494863, 26259135, 23109135, 21505157, 23666964, 21752896, 27895137, 28819017, 22955521, 23174939, 30068732, 29978187, 26173966, 29625052, 26689913, 29177515, 28500238, 31169996, 29978154, 32581362, 31827275, 34308366, 31589614, 33372952, 33077847, 33960148, 33674644, 24781757)

MGZ Medical Genetics Center
Classification: Pathogenic for Pheochromocytoma/paraganglioma syndrome 5. Last evaluated: 2022-04-29. Review status: criteria provided, single submitter. Criteria: ACMG Guidelines, 2015. Collection method: clinical testing. Allele origin: germline. Affected: yes. Observed: 3 variant alleles.
Comment: ACMG criteria applied: PVS1, PM3, PS3_SUP, PS4_SUP

AiLife Diagnostics
Classification: Pathogenic. Last evaluated: 2021-12-09. Review status: criteria provided, single submitter. Criteria: ACMG Guidelines, 2015. Collection method: clinical testing. Allele origin: germline. Affected: yes. Observed: 3 variant alleles.

Institute for Clinical Genetics, University Hospital TU Dresden, University Hospital TU Dresden
Classification: Pathogenic. Last evaluated: 2021-11-03. Review status: criteria provided, single submitter. Criteria: ACMG Guidelines, 2015. Collection method: clinical testing. Allele origin: germline.

Revvity Omics, Revvity
Classification: Pathogenic. Last evaluated: 2021-10-15. Review status: criteria provided, single submitter. Criteria: ACMG Guidelines, 2015. Collection method: clinical testing. Allele origin: germline.

Fulgent Genetics
Classification: Pathogenic for Mitochondrial complex II deficiency, nuclear type 1; Dilated cardiomyopathy 1GG; Pheochromocytoma/paraganglioma syndrome 5; Neurodegeneration with ataxia and late-onset optic atrophy. Last evaluated: 2021-10-02. Review status: criteria provided, single submitter. Criteria: ACMG Guidelines, 2015. Collection method: clinical testing. Allele origin: unknown.

“Giorgio Prodi” Cancer Research Center, University of Bologna
Classification: Pathogenic for Gastrointestinal stromal tumor. Last evaluated: 2021-10-01. Review status: criteria provided, single submitter. Criteria: ACMG Guidelines, 2015. Collection method: research. Allele origin: germline. Affected: yes. Observed: 1 variant allele.

Sema4
Classification: Pathogenic for Hereditary cancer-predisposing syndrome. Last evaluated: 2021-03-25. Review status: criteria provided, single submitter. Criteria: Sema4 Curation Guidelines. Collection method: curation. Allele origin: germline.
Comment: The SDHA c.91C>T (p.R31X) has been reported in heterozygosity in at least 10 individuals with gastrointestinal stromal tumors, pheochromocytomas, paragangliomas, and renal cell carcinoma (PMID: 21505157, 21752896, 23666964, 29978187, 22974104). It has also been reported as compound heterozygous in an individual affected with autosomal-recessive complex II deficiency (PMID: 24781757). This nonsense variant creates a premature stop codon at residue 31 of the SDHA protein. This variant was observed in 59/282590 chromosomes from large and broad populations by the Genome Aggregation Database (PMID: 32461654), predominantly in individuals of Non-Finnish European heritage (53/128900, AF=0.041%). The variant is also detected in 2/692 (0.3%) Dutch controls, suggesting a low penetrance of paragangliomas in individuals with this mutation (PMID: 21752896). Experimental studies have reported a remarkably reduced SDHA enzymatic activity and mitochondrial complex II activity in fibroblast cells derived from patients with this variant (PMID 24781757) as well as tumor tissues derived from patients carrying the variant as both germline and somatic (PMID 22974104). This variant has been reported in ClinVar (Variation ID: 142601). Based on the current evidence, this variant is interpreted as pathogenic.